The following is an entry in ClinVar:

ClinVar aggregate classification (germline): Uncertain significance (1 of 4 stars; one submission).

Conditions:
Inborn genetic diseases. Identifiers: MedGen C0950123, MeSH D030342.

Submission:

Ambry Genetics
Classification: Uncertain significance for Inborn genetic diseases. Last evaluated: 2025-10-22. Review status: criteria provided, single submitter. Criteria: Ambry Variant Classification Scheme 2023. Collection method: clinical testing. Allele origin: germline.
Comment: The p.S460R variant (also known as c.1378A>C), located in coding exon 8 of the MECOM gene, results from an A to C substitution at nucleotide position 1378. The serine at codon 460 is replaced by arginine, an amino acid with dissimilar properties. This amino acid position is conserved. In addition, this alteration is predicted to be tolerated by in silico analysis. Based on the available evidence, the clinical significance of this variant remains unclear.

NM_004991.4(MECOM):c.1378A>C (p.Ser460Arg)

Gene: MECOM (MDS1 and EVI1 complex locus; minus strand). Cytogenetic location: 3q26.2.
Variant type: single nucleotide variant.
Coding change: c.1378A>C on transcript NM_004991.4 (MANE Select); coding-DNA position 1378, A replaced by C.
Protein change: p.Ser460Arg; replaces serine 460 with arginine.
Molecular consequence: missense variant. On other transcripts: intron variant (2).
Genome position (GRCh38, 1-based): chr3:169,116,494, T>G on the plus strand (A>C on the coding strand, the complement: MECOM is on the minus strand). VCF-style: chr3-169116494-T-G. GRCh37 (hg19) VCF-style: chr3-168834282-T-G.
Other names: c.1009A>C, p.Ser337Arg (NM_001105077.4); c.814A>C, p.Ser272Arg (NM_001105078.4, NM_001164000.2, NM_001205194.2 and 4 more transcripts); c.817A>C, p.Ser273Arg (NM_001163999.2, NM_001366467.2, NM_001366468.2 and 1 more transcripts); c.1378A>C, p.Ser460Arg (NM_001366466.2); c.1133-727A>C (NM_001366473.2); c.569-727A>C (NM_001366474.2); short protein forms S273R, S460R, S272R, S337R.
Identifiers: ClinVar variation 4624657 (VCV004624657.1).